The following is an entry in ClinVar:

ClinVar aggregate classification (germline): Likely benign (0 of 4 stars; one submission).

Conditions:
ATG7-related disorder. Also called: ATG7-related condition.

gnomAD v4.1: 7 of 1,603,388 alleles (0.00044%); highest among the groups gnomAD compares: African/African-American, 0.0094%; no homozygotes.

Submission:

PreventionGenetics, part of Exact Sciences
Classification: Likely benign for ATG7-related condition. Last evaluated: 2024-08-08. Review status: no assertion criteria provided. Collection method: clinical testing. Allele origin: germline.
Comment: This variant is classified as likely benign based on ACMG/AMP sequence variant interpretation guidelines (Richards et al. 2015 PMID: 25741868, with internal and published modifications).

NM_001349232.2(ATG7):c.333+8G>C

Gene: ATG7 (autophagy related 7; plus strand). Cytogenetic location: 3p25.3.
Variant type: single nucleotide variant.
Coding change: c.333+8G>C on transcript NM_001349232.2 (MANE Select); 8 bases into the intron after coding-DNA position 333, G replaced by C.
Molecular consequence: intron variant.
Genome position (GRCh38, 1-based): chr3:11,307,068, G>C. VCF-style: chr3-11307068-G-C. GRCh37 (hg19) VCF-style: chr3-11348542-G-C.
Other names: c.-479+8G>C (NM_001349238.2); c.333+8G>C (NM_001349233.2, NM_001349235.2, NM_001349234.2 and 5 more transcripts).
Identifiers: ClinVar variation 3346729 (VCV003346729.1).
Genomic context (GRCh38, chr3:11,307,068, plus strand): 5'-AGTCTTTCAAGACTGCAGATAAGAAGCTCCTTTTGGAACAAGCAGCAAATGAGGTTAGCT[G>C]TGAAAACGTGATGTATGTGTCATATTTCCTGTGGTCCTGGCAGGTGCAGTGTTTGTGATC-3'